The following is an entry in ClinVar:

NM_000540.3(RYR1):c.6549-5C>T

Gene: RYR1 (ryanodine receptor 1; plus strand). Cytogenetic location: 19q13.2.
Variant type: single nucleotide variant.
Coding change: c.6549-5C>T on transcript NM_000540.3 (MANE Select); 5 bases into the intron before coding-DNA position 6549, C replaced by T.
Molecular consequence: intron variant.
Genome position (GRCh38, 1-based): chr19:38,496,210, C>T. VCF-style: chr19-38496210-C-T. GRCh37 (hg19) VCF-style: chr19-38986850-C-T.
Other names: c.6549-5C>T (NM_001042723.2).
Identifiers: ClinVar variation 2911127 (VCV002911127.23), dbSNP rs1212509590, ClinGen allele CA633066176.

ClinVar aggregate classification (germline): Conflicting classifications of pathogenicity. Review status: criteria provided, conflicting classifications (1 of 4 stars). 2 submissions from 2 submitters: Uncertain significance (1); Likely benign (1). Last evaluated 2024-04-01.

Conditions:
RYR1-related disorder. Also called: RYR1-related condition; RYR1-related disorders. Identifiers: MedGen CN239331.

Allele frequency attached by ClinVar (database versions not stated): gnomAD exomes below 0.00001; TOPMed below 0.00001; gnomAD 0.00001.
gnomAD v4.1: 2 of 1,612,622 alleles (0.00012%); highest among the groups gnomAD compares: Non-Finnish European, 0.00017%; no homozygotes.

Submissions (2):

CeGaT Center for Human Genetics Tuebingen
Classification: Uncertain significance. Last evaluated: 2024-04-01. Review status: criteria provided, single submitter. Criteria: CeGaT Center For Human Genetics Tuebingen Variant Classification Criteria Version 2. Collection method: clinical testing. Allele origin: germline. Affected: yes. Observed: 1 variant allele.
Comment: RYR1: PM2:Supporting, BP4

Labcorp Genetics (formerly Invitae), Labcorp
Classification: Likely benign for RYR1-related disorder. Last evaluated: 2023-09-06. Review status: criteria provided, single submitter. Criteria: Invitae Variant Classification Sherloc (09022015). Collection method: clinical testing. Allele origin: germline.